The following is an entry in ClinVar:

ClinVar aggregate classification (germline): Uncertain significance. Review status: criteria provided, multiple submitters, no conflicts (2 of 4 stars). 2 submissions from 2 submitters: Uncertain significance (2). Last evaluated 2025-11-07.

Conditions:
Inborn genetic diseases. Identifiers: MedGen C0950123, MeSH D030342.
MOGS-congenital disorder of glycosylation. Also called: CDG IIb; GLUCOSIDASE I DEFICIENCY; CDG 2B; MOGS-CDG. Identifiers: Orphanet 79330, MedGen C1853736, MONDO:0011629, OMIM 606056.

Allele frequency attached by ClinVar (database versions not stated): gnomAD exomes below 0.00001; TOPMed 0.00001.

Submissions (2):

Ambry Genetics
Classification: Uncertain significance for Inborn genetic diseases. Last evaluated: 2025-11-07. Review status: criteria provided, single submitter. Criteria: Ambry Variant Classification Scheme 2023. Collection method: clinical testing. Allele origin: germline.

Labcorp Genetics (formerly Invitae), Labcorp
Classification: Uncertain significance for MOGS-congenital disorder of glycosylation. Last evaluated: 2019-08-20. Review status: criteria provided, single submitter. Criteria: Invitae Variant Classification Sherloc (09022015). Collection method: clinical testing. Allele origin: germline.
Comment: In summary, the available evidence is currently insufficient to determine the role of this variant in disease. Therefore, it has been classified as a Variant of Uncertain Significance. Algorithms developed to predict the effect of missense changes on protein structure and function are either unavailable or do not agree on the potential impact of this missense change (SIFT: "Tolerated"; PolyPhen-2: "Possibly Damaging"; Align-GVGD: "Class C0"). This variant has not been reported in the literature in individuals with MOGS-related conditions. This variant is not present in population databases (ExAC no frequency). This sequence change replaces glutamine with lysine at codon 808 of the MOGS protein (p.Gln808Lys). The glutamine residue is highly conserved and there is a small physicochemical difference between glutamine and lysine.

NM_006302.3(MOGS):c.2422C>A (p.Gln808Lys)

Gene: MOGS (mannosyl-oligosaccharide glucosidase; minus strand). Cytogenetic location: 2p13.1.
Variant type: single nucleotide variant.
Coding change: c.2422C>A on transcript NM_006302.3 (MANE Select); coding-DNA position 2422, C replaced by A.
Protein change: p.Gln808Lys; replaces glutamine 808 with lysine.
Molecular consequence: missense variant.
Genome position (GRCh38, 1-based): chr2:74,461,367, G>T on the plus strand (C>A on the coding strand, the complement: MOGS is on the minus strand). VCF-style: chr2-74461367-G-T. GRCh37 (hg19) VCF-style: chr2-74688494-G-T.
Other names: c.2104C>A, p.Gln702Lys (NM_001146158.2); short protein forms Q702K, Q808K.
Identifiers: ClinVar variation 962091 (VCV000962091.11), dbSNP rs995479690, ClinGen allele CA50475269.